The following is an entry in ClinVar:

NM_019098.4(CNGB3):c.904-2824_1782-8208delins[KY923049.1:g.1_466]

Gene: CNGB3 (cyclic nucleotide gated channel subunit beta 3; minus strand). Cytogenetic location: 8q21.3.
Variant type: Indel.
Coding change: c.904-2824_1782-8208delins[KY923049.1:g.1_466] on transcript NM_019098.4; 2824 bases into the intron before coding-DNA position 904 through 8208 bases into the intron before coding-DNA position 1782, the reference bases replaced by an inserted sequence.
Other names: c.904-2824_1782-8208delinsKY923049.1g1_466 (NM_019098.4).
Identifiers: ClinVar variation 427718 (VCV000427718.1).

ClinVar aggregate classification (germline): Pathogenic (0 of 4 stars; one submission).

Conditions:
Achromatopsia 3 (ACHM3). Also called: PINGELAPESE BLINDNESS; TOTAL COLORBLINDNESS WITH MYOPIA; ROD MONOCHROMACY 1; ROD MONOCHROMATISM 1; ACHROMATOPSIA WITH MYOPIA. Identifiers: Orphanet 49382, MedGen C1849792, MONDO:0009875, OMIM 262300.

Submission:

Molecular Genetics Laboratory, Institute for Ophthalmic Research
Classification: Pathogenic for ACHM3. Last evaluated: 2017-03-27. Review status: no assertion criteria provided. Collection method: research. Allele origin: germline. Affected: yes.
Comment: Deletion of exons 8-15

Literature cited by the submitters: PubMed 28795510.